The following is an entry in ClinVar:

NM_003114.5(SPAG1):c.1637_1638del (p.Thr546fs)

Gene: SPAG1 (sperm associated antigen 1; plus strand). Cytogenetic location: 8q22.2.
Variant type: Deletion.
Coding change: c.1637_1638del on transcript NM_003114.5 (MANE Select); coding-DNA positions 1637 to 1638, 2 bases deleted (CA; older notation c.1637_1638delCA).
Protein change: p.Thr546fs; shifts the reading frame from threonine 546.
Molecular consequence: frameshift variant.
Genome position (GRCh38, 1-based): chr8:100,220,380-100,220,381, CA deleted; deleting any 2 consecutive bases within chr8:100,220,379-100,220,381 gives the same sequence; the c. name uses the placement nearest the transcript's 3' end. VCF-style (leftmost placement, unchanged base first): chr8-100220378-AAC-A. GRCh37 (hg19) VCF-style: chr8-101232606-AAC-A.
Other names: c.1637_1638del, p.Thr546fs (NM_001374321.1, NM_172218.3); short protein forms T546fs.
Identifiers: ClinVar variation 848748 (VCV000848748.7), dbSNP rs1818211696, ClinGen allele CA916083008.

ClinVar aggregate classification (germline): Pathogenic (1 of 4 stars; one submission).

Conditions:
Primary ciliary dyskinesia 28. Also called: CILIARY DYSKINESIA, PRIMARY, 28, WITH OR WITHOUT SITUS INVERSUS. Identifiers: Orphanet 244, MedGen C3809706, MONDO:0014216, OMIM 615505.

Submission:

Labcorp Genetics (formerly Invitae), Labcorp
Classification: Pathogenic for Primary ciliary dyskinesia 28. Last evaluated: 2022-10-17. Review status: criteria provided, single submitter. Criteria: Invitae Variant Classification Sherloc (09022015). Collection method: clinical testing. Allele origin: germline.
Comment: For these reasons, this variant has been classified as Pathogenic. ClinVar contains an entry for this variant (Variation ID: 848748). This variant has not been reported in the literature in individuals affected with SPAG1-related conditions. This variant is not present in population databases (gnomAD no frequency). This sequence change creates a premature translational stop signal (p.Thr546Serfs*13) in the SPAG1 gene. It is expected to result in an absent or disrupted protein product. Loss-of-function variants in SPAG1 are known to be pathogenic (PMID: 24055112).

Literature cited by the submitters: PubMed 24055112.